The following is an entry in ClinVar:

NM_033004.4(NLRP1):c.124C>T (p.Pro42Ser)

Gene: NLRP1 (NLR family pyrin domain containing 1; minus strand). Cytogenetic location: 17p13.2.
Variant type: single nucleotide variant.
Coding change: c.124C>T on transcript NM_033004.4 (MANE Select); coding-DNA position 124, C replaced by T.
Protein change: p.Pro42Ser; replaces proline 42 with serine.
Molecular consequence: missense variant.
Genome position (GRCh38, 1-based): chr17:5,583,834, G>A on the plus strand (C>T on the coding strand, the complement: NLRP1 is on the minus strand). VCF-style: chr17-5583834-G-A. GRCh37 (hg19) VCF-style: chr17-5487154-G-A.
Other names: c.124C>T, p.Pro42Ser (NM_001033053.3, NM_014922.5, NM_033006.4 and 1 more transcripts); short protein forms P42S.
Identifiers: ClinVar variation 1499622 (VCV001499622.8), dbSNP rs200014469, ClinGen allele CA8327648.

ClinVar aggregate classification (germline): Uncertain significance (1 of 4 stars; one submission).

gnomAD v4.1: 3 of 1,567,068 alleles (0.00019%); highest among the groups gnomAD compares: Non-Finnish European, 0.00026%; no homozygotes.

Submission:

Labcorp Genetics (formerly Invitae), Labcorp
Classification: Uncertain significance. Last evaluated: 2020-12-18. Review status: criteria provided, single submitter. Criteria: Invitae Variant Classification Sherloc (09022015). Collection method: clinical testing. Allele origin: germline.
Comment: This sequence change replaces proline with serine at codon 42 of the NLRP1 protein (p.Pro42Ser). The proline residue is weakly conserved and there is a moderate physicochemical difference between proline and serine. The frequency data for this variant in the population databases is considered unreliable, as metrics indicate poor data quality at this position in the ExAC database. This variant has not been reported in the literature in individuals with NLRP1-related conditions. Algorithms developed to predict the effect of missense changes on protein structure and function output the following: SIFT: "Tolerated"; PolyPhen-2: "Benign"; Align-GVGD: "Class C0". The serine amino acid residue is found in multiple mammalian species, suggesting that this missense change does not adversely affect protein function. These predictions have not been confirmed by published functional studies and their clinical significance is uncertain. In summary, the available evidence is currently insufficient to determine the role of this variant in disease. Therefore, it has been classified as a Variant of Uncertain Significance.